The following is an entry in ClinVar:

NM_001267550.2(TTN):c.72612_72616del (p.Val24205fs)

Genes: TTN (titin; minus strand), TTN-AS1 (TTN antisense RNA 1; plus strand). Cytogenetic location: 2q31.2.
Variant type: Deletion.
Coding change: c.72612_72616del on transcript NM_001267550.2 (MANE Select); coding-DNA positions 72612 to 72616, 5 bases deleted (AGTGG; older notation c.72612_72616delAGTGG).
Protein change: p.Val24205fs; shifts the reading frame from valine 24205.
Molecular consequence: frameshift variant.
Genome position (GRCh38, 1-based): chr2:178,573,516-178,573,520, CCACT deleted on the plus strand (AGTGG on the coding strand, the reverse complement: TTN is on the minus strand); deleting any 5 consecutive bases within chr2:178,573,516-178,573,523 gives the same sequence; the c. name uses the placement nearest the transcript's 3' end. VCF-style (leftmost placement, unchanged base first): chr2-178573515-CCCACT-C. GRCh37 (hg19) VCF-style: chr2-179438242-CCCACT-C.
Other names: c.67689_67693del, p.Val22564fs (NM_001256850.1); c.45417_45421del, p.Val15140fs (NM_003319.4); c.64908_64912del, p.Val21637fs (NM_133378.4); c.45792_45796del, p.Val15265fs (NM_133432.3); c.45993_45997del, p.Val15332fs (NM_133437.4); short protein forms V22564fs, V15332fs, V15140fs, V21637fs, V15265fs, V24205fs.
Identifiers: ClinVar variation 1505203 (VCV001505203.6), dbSNP rs2154170904, ClinGen allele CA2573134311.

ClinVar aggregate classification (germline): Likely pathogenic (1 of 4 stars; one submission).

Conditions:
Dilated cardiomyopathy 1G (CMD1G). Identifiers: Orphanet 154, MedGen C1858763, MONDO:0011400, OMIM 604145.
Autosomal recessive limb-girdle muscular dystrophy type 2J (LGMDR10). Also called: MUSCULAR DYSTROPHY, LIMB-GIRDLE, AUTOSOMAL RECESSIVE 10; Limb-girdle muscular dystrophy, type 2J. Identifiers: Orphanet 140922, MedGen C1837342, MONDO:0012127, OMIM 608807.

Submission:

Labcorp Genetics (formerly Invitae), Labcorp
Classification: Likely pathogenic for Dilated cardiomyopathy 1G; Autosomal recessive limb-girdle muscular dystrophy type 2J. Last evaluated: 2023-02-14. Review status: criteria provided, single submitter. Criteria: Invitae Variant Classification Sherloc (09022015). Collection method: clinical testing. Allele origin: germline.
Comment: In summary, the currently available evidence indicates that the variant is pathogenic, but additional data are needed to prove that conclusively. Therefore, this variant has been classified as Likely Pathogenic. This variant is located in the A band of TTN (PMID: 25589632). Truncating variants in this region are significantly overrepresented in patients affected with dilated cardiomyopathy (PMID: 25589632). Truncating variants in this region have also been reported in individuals affected with autosomal recessive centronuclear myopathy (PMID: 23975875). ClinVar contains an entry for this variant (Variation ID: 1505203). This sequence change creates a premature translational stop signal (p.Val24205Argfs*18) in the TTN gene. While this is not anticipated to result in nonsense mediated decay, it is expected to create a truncated TTN protein. This variant has not been reported in the literature in individuals affected with TTN-related conditions. This variant is not present in population databases (gnomAD no frequency).

Literature cited by the submitters: PubMed 25589632; PubMed 23975875.